The following is an entry in ClinVar:

ClinVar aggregate classification (germline): Uncertain significance (1 of 4 stars; one submission).

Conditions:
Inborn genetic diseases. Identifiers: MedGen C0950123, MeSH D030342.

Allele frequency attached by ClinVar (database versions not stated): gnomAD exomes below 0.00001.
gnomAD v4.1: 2 of 1,613,054 alleles (0.00012%); highest among the groups gnomAD compares: Non-Finnish European, 0.000085%; no homozygotes.

Submission:

Ambry Genetics
Classification: Uncertain significance for Inborn genetic diseases. Last evaluated: 2022-03-07. Review status: criteria provided, single submitter. Criteria: Ambry Variant Classification Scheme 2023. Collection method: clinical testing. Allele origin: germline.
Comment: The p.K2109T variant (also known as c.6326A>C), located in coding exon 43 of the LRRK2 gene, results from an A to C substitution at nucleotide position 6326. The lysine at codon 2109 is replaced by threonine, an amino acid with similar properties. This amino acid position is conserved. In addition, the in silico prediction for this alteration is inconclusive. Since supporting evidence is limited at this time, the clinical significance of this alteration remains unclear.

NM_198578.4(LRRK2):c.6326A>C (p.Lys2109Thr)

Gene: LRRK2 (leucine rich repeat kinase 2; plus strand). Cytogenetic location: 12q12.
Variant type: single nucleotide variant.
Coding change: c.6326A>C on transcript NM_198578.4 (MANE Select); coding-DNA position 6326, A replaced by C.
Protein change: p.Lys2109Thr; replaces lysine 2109 with threonine.
Molecular consequence: missense variant.
Genome position (GRCh38, 1-based): chr12:40,348,454, A>C. VCF-style: chr12-40348454-A-C. GRCh37 (hg19) VCF-style: chr12-40742256-A-C.
Other names: short protein forms K2109T.
Identifiers: ClinVar variation 1752869 (VCV001752869.2), dbSNP rs2499972639, ClinGen allele CA384406114.